The following is an entry in ClinVar:

ClinVar aggregate classification (germline): Pathogenic (1 of 4 stars; one submission).

Submission:

CeGaT Center for Human Genetics Tuebingen
Classification: Pathogenic. Last evaluated: 2026-04-01. Review status: criteria provided, single submitter. Criteria: CeGaT Center For Human Genetics Tuebingen Variant Classification Criteria Version 2. Collection method: clinical testing. Allele origin: germline. Affected: yes. Observed: 1 variant allele.
Comment: MME: PVS1, PM2

NM_007289.4(MME):c.936_937del (p.Ser313fs)

Gene: MME (membrane metalloendopeptidase; plus strand). Cytogenetic location: 3q25.2.
Variant type: Deletion.
Coding change: c.936_937del on transcript NM_007289.4 (MANE Select); coding-DNA positions 936 to 937, 2 bases deleted (TT; older notation c.936_937delTT).
Protein change: p.Ser313fs; shifts the reading frame from serine 313.
Molecular consequence: frameshift variant.
Genome position (GRCh38, 1-based): chr3:155,140,271-155,140,272, TT deleted; deleting any 2 consecutive bases within chr3:155,140,269-155,140,272 gives the same sequence; the c. name uses the placement nearest the transcript's 3' end. VCF-style (leftmost placement, unchanged base first): chr3-155140268-CTT-C. GRCh37 (hg19) VCF-style: chr3-154858057-CTT-C.
Other names: c.936_937del, p.Ser313fs (NM_000902.5, NM_001354642.2, NM_001354643.1 and 2 more transcripts); short protein forms S313fs.
Identifiers: ClinVar variation 4874674 (VCV004874674.2).